The following is an entry in ClinVar:

NM_015629.4(PRPF31):c.152_158del (p.Ile51fs)

Gene: PRPF31 (pre-mRNA processing factor 31; plus strand). Cytogenetic location: 19q13.42.
Variant type: Deletion.
Coding change: c.152_158del on transcript NM_015629.4 (MANE Select); coding-DNA positions 152 to 158, 7 bases deleted (TCGCCAA; older notation c.152_158delTCGCCAA).
Protein change: p.Ile51fs; shifts the reading frame from isoleucine 51.
Molecular consequence: frameshift variant.
Genome position (GRCh38, 1-based): chr19:54,118,430-54,118,436, TCGCCAA deleted; deleting any 7 consecutive bases within chr19:54,118,429-54,118,436 gives the same sequence; the c. name uses the placement nearest the transcript's 3' end. VCF-style (leftmost placement, unchanged base first): chr19-54118428-CATCGCCA-C. GRCh37 (hg19) VCF-style: chr19-54621808-CATCGCCA-C.
Other names: short protein forms I51fs.
Identifiers: ClinVar variation 1380400 (VCV001380400.6), dbSNP rs2146393119, ClinGen allele CA2573156792.

ClinVar aggregate classification (germline): Pathogenic (1 of 4 stars; one submission).

Submission:

Labcorp Genetics (formerly Invitae), Labcorp
Classification: Pathogenic. Last evaluated: 2022-06-27. Review status: criteria provided, single submitter. Criteria: Invitae Variant Classification Sherloc (09022015). Collection method: clinical testing. Allele origin: germline.
Comment: For these reasons, this variant has been classified as Pathogenic. This variant has not been reported in the literature in individuals affected with PRPF31-related conditions. This variant is not present in population databases (gnomAD no frequency). This sequence change creates a premature translational stop signal (p.Ile51Serfs*12) in the PRPF31 gene. It is expected to result in an absent or disrupted protein product. Loss-of-function variants in PRPF31 are known to be pathogenic (PMID: 18317597, 23950152).

Literature cited by the submitters: PubMed 18317597; PubMed 23950152.